The following is an entry in ClinVar:

ClinVar aggregate classification (germline): Uncertain significance (1 of 4 stars; one submission).

Allele frequency attached by ClinVar (database versions not stated): gnomAD exomes below 0.00001.

Submission:

Labcorp Genetics (formerly Invitae), Labcorp
Classification: Uncertain significance. Last evaluated: 2025-12-27. Review status: criteria provided, single submitter. Criteria: Invitae Variant Classification Sherloc (09022015). Collection method: clinical testing. Allele origin: germline.
Comment: This sequence change replaces aspartic acid, which is acidic and polar, with histidine, which is basic and polar, at codon 334 of the ALAS2 protein (p.Asp334His). This variant is not present in population databases (gnomAD no frequency). This variant has not been reported in the literature in individuals affected with ALAS2-related conditions. ClinVar contains an entry for this variant (Variation ID: 2982141). Invitae Evidence Modeling of protein sequence and biophysical properties (such as structural, functional, and spatial information, amino acid conservation, physicochemical variation, residue mobility, and thermodynamic stability) has been performed for this missense variant. However, the output from this modeling did not meet the statistical confidence thresholds required to predict the impact of this variant on ALAS2 protein function. In summary, the available evidence is currently insufficient to determine the role of this variant in disease. Therefore, it has been classified as a Variant of Uncertain Significance.

NM_000032.5(ALAS2):c.1000G>C (p.Asp334His)

Gene: ALAS2 (5'-aminolevulinate synthase 2; minus strand). Cytogenetic location: Xp11.21.
Variant type: single nucleotide variant.
Coding change: c.1000G>C on transcript NM_000032.5 (MANE Select); coding-DNA position 1000, G replaced by C.
Protein change: p.Asp334His; replaces aspartic acid 334 with histidine.
Molecular consequence: missense variant.
Genome position (GRCh38, 1-based): chrX:55,017,489, C>G on the plus strand (G>C on the coding strand, the complement: ALAS2 is on the minus strand). VCF-style: chrX-55017489-C-G. GRCh37 (hg19) VCF-style: chrX-55043922-C-G.
Other names: c.889G>C, p.Asp297His (NM_001037967.4); c.961G>C, p.Asp321His (NM_001037968.4); short protein forms D297H, D321H, D334H.
Identifiers: ClinVar variation 2982141 (VCV002982141.3), dbSNP rs2519582393, ClinGen allele CA413294185.